The following is an entry in ClinVar:

NM_001278624.2(NFXL1):c.1294C>T (p.Arg432Cys)

Genes: NFXL1 (nuclear transcription factor, X-box binding like 1; minus strand), LOC101927179 (uncharacterized LOC101927179; plus strand). Cytogenetic location: 4p12.
Variant type: single nucleotide variant.
Coding change: c.1294C>T on transcript NM_001278624.2 (MANE Select); coding-DNA position 1294, C replaced by T.
Protein change: p.Arg432Cys; replaces arginine 432 with cysteine.
Molecular consequence: missense variant. On other transcripts: non-coding transcript variant (3).
Genome position (GRCh38, 1-based): chr4:47,896,558, G>A on the plus strand (C>T on the coding strand, the complement: NFXL1 is on the minus strand). VCF-style: chr4-47896558-G-A. GRCh37 (hg19) VCF-style: chr4-47898575-G-A.
Other names: c.1294C>T, p.Arg432Cys (NM_001278623.1, NM_152995.6); short protein forms R432C.
Identifiers: ClinVar variation 3035860 (VCV003035860.2), dbSNP rs35139099, ClinGen allele CA2910630.

ClinVar aggregate classification (germline): Likely benign (0 of 4 stars; one submission).

Conditions:
NFXL1-related disorder. Also called: NFXL1-related condition.

Allele frequency attached by ClinVar (database versions not stated): 1000 Genomes Project 0.00020; 1000 Genomes Project 30x 0.00062; TOPMed 0.00224; gnomAD 0.00230; ExAC 0.00253; gnomAD exomes 0.00343; ESP Exome Variant Server 0.00346.
gnomAD v4.1: 5,323 of 1,612,942 alleles (0.33%); highest among the groups gnomAD compares: Non-Finnish European, 0.41%; 13 homozygotes.

Submission:

PreventionGenetics, part of Exact Sciences
Classification: Likely benign for NFXL1-related condition. Last evaluated: 2019-08-08. Review status: no assertion criteria provided. Collection method: clinical testing. Allele origin: germline.
Comment: This variant is classified as likely benign based on ACMG/AMP sequence variant interpretation guidelines (Richards et al. 2015 PMID: 25741868, with internal and published modifications).